The following is an entry in ClinVar:

NM_001267550.2(TTN):c.69042dup (p.Ala23015fs)

Genes: TTN (titin; minus strand), TTN-AS1 (TTN antisense RNA 1; plus strand). Cytogenetic location: 2q31.2.
Variant type: Duplication.
Coding change: c.69042dup on transcript NM_001267550.2 (MANE Select); coding-DNA position 69042, one base duplicated (T; older notation c.69042dupT).
Protein change: p.Ala23015fs; shifts the reading frame from alanine 23015.
Molecular consequence: frameshift variant.
Genome position (GRCh38, 1-based): chr2:178,577,293, A duplicated on the plus strand (T on the coding strand, the reverse complement: TTN is on the minus strand). VCF-style (leftmost placement, unchanged base first): chr2-178577292-C-CA. GRCh37 (hg19) VCF-style: chr2-179442019-C-CA.
Other names: c.64119dup, p.Ala21374fs (NM_001256850.1); c.41847dup, p.Ala13950fs (NM_003319.4); c.61338dup, p.Ala20447fs (NM_133378.4); c.42222dup, p.Ala14075fs (NM_133432.3); c.42423dup, p.Ala14142fs (NM_133437.4); short protein forms A14075fs, A14142fs, A20447fs, A13950fs, A21374fs, A23015fs.
Identifiers: ClinVar variation 4786997 (VCV004786997.1).

ClinVar aggregate classification (germline): Likely pathogenic (1 of 4 stars; one submission).

Conditions:
Autosomal recessive limb-girdle muscular dystrophy type 2J (LGMDR10). Also called: Limb-girdle muscular dystrophy, type 2J; MUSCULAR DYSTROPHY, LIMB-GIRDLE, AUTOSOMAL RECESSIVE 10. Identifiers: Orphanet 140922, MedGen C1837342, MONDO:0012127, OMIM 608807.
Dilated cardiomyopathy 1G (CMD1G). Identifiers: Orphanet 154, MedGen C1858763, MONDO:0011400, OMIM 604145.

Submission:

Labcorp Genetics (formerly Invitae), Labcorp
Classification: Likely pathogenic for Dilated cardiomyopathy 1G; Autosomal recessive limb-girdle muscular dystrophy type 2J. Last evaluated: 2025-12-14. Review status: criteria provided, single submitter. Criteria: Invitae Variant Classification Sherloc (09022015). Collection method: clinical testing. Allele origin: germline.
Comment: This sequence change creates a premature translational stop signal (p.Ala23015Cysfs*3) in the TTN gene. While this is not anticipated to result in nonsense mediated decay, it is expected to create a truncated TTN protein. This variant is not present in population databases (gnomAD no frequency). This variant has not been reported in the literature in individuals affected with TTN-related conditions. This variant is located in the A band of TTN (PMID: 25589632). Truncating variants in this region are significantly overrepresented in patients affected with dilated cardiomyopathy (PMID: 25589632). Truncating variants in this region have also been reported in individuals affected with autosomal recessive centronuclear myopathy (PMID: 23975875). In summary, the currently available evidence indicates that the variant is pathogenic, but additional data are needed to prove that conclusively. Therefore, this variant has been classified as Likely Pathogenic.

Literature cited by the submitters: PubMed 25589632; PubMed 23975875.